The following is an entry in ClinVar:

ClinVar aggregate classification (germline): Conflicting classifications of pathogenicity. Review status: criteria provided, conflicting classifications (1 of 4 stars). 3 submissions from 3 submitters: Uncertain significance (2); Likely benign (1). Last evaluated 2026-07-01.

Conditions:
Fanconi anemia complementation group G. Also called: Fanconi anemia group G; FANCG-Related Fanconi Anemia. Identifiers: Orphanet 84, MedGen C3469527, MONDO:0013565, OMIM 614082.

Submissions (3):

CeGaT Center for Human Genetics Tuebingen
Classification: Likely benign. Last evaluated: 2026-07-01. Review status: criteria provided, single submitter. Criteria: CeGaT Center For Human Genetics Tuebingen Variant Classification Criteria Version 2. Collection method: clinical testing. Allele origin: germline. Affected: yes. Observed: 1 variant allele.
Comment: FANCG: BP4

GeneDx
Classification: Uncertain significance. Last evaluated: 2025-01-28. Review status: criteria provided, single submitter. Criteria: GeneDx Variant Classification Process June 2021. Collection method: clinical testing. Allele origin: germline. Affected: yes.
Comment: Reported in the published literature in one patient with breast cancer and in two control individuals (PMID: 39149814); In silico analysis indicates that this missense variant does not alter protein structure/function; This variant is associated with the following publications: (PMID: 39149814)

Fulgent Genetics
Classification: Uncertain significance for Fanconi anemia complementation group G. Last evaluated: 2024-01-28. Review status: criteria provided, single submitter. Criteria: ACMG Guidelines, 2015. Collection method: clinical testing. Allele origin: germline.

NM_004629.2(FANCG):c.956C>T (p.Pro319Leu)

Gene: FANCG (FA complementation group G; minus strand). Cytogenetic location: 9p13.3.
Variant type: single nucleotide variant.
Coding change: c.956C>T on transcript NM_004629.2 (MANE Select); coding-DNA position 956, C replaced by T.
Protein change: p.Pro319Leu; replaces proline 319 with leucine.
Molecular consequence: missense variant.
Genome position (GRCh38, 1-based): chr9:35,076,552, G>A on the plus strand (C>T on the coding strand, the complement: FANCG is on the minus strand). VCF-style: chr9-35076552-G-A. GRCh37 (hg19) VCF-style: chr9-35076549-G-A.
Other names: short protein forms P319L.
Identifiers: ClinVar variation 3597285 (VCV003597285.3).
Genomic context (GRCh38, chr9:35,076,552, plus strand): 5'-TGAAGGGGTGAGGCTAGGTCAGGTGGTGGCAGTAGTAATTCTACCTCAATGAGAAACTGC[G>A]GGGCTTTGGAACTGCATGGGACATTCAAGGCCTAAAAGAGAAAGAAAAAAATTGTATCTA-3'
Protein context (NP_004620.1, residues 309-329): ALNVPCSSKA[Pro319Leu]QFLIEVELLL